The following is an entry in ClinVar:

NM_014889.4(PITRM1):c.261G>C (p.Leu87=)

Gene: PITRM1 (pitrilysin metallopeptidase 1; minus strand). Cytogenetic location: 10p15.2.
Variant type: single nucleotide variant.
Coding change: c.261G>C on transcript NM_014889.4 (MANE Select); coding-DNA position 261, G replaced by C.
Protein change: p.Leu87=; no amino-acid change (leucine 87 retained).
Molecular consequence: synonymous variant. On other transcripts: 5 prime UTR variant (3), non-coding transcript variant (4).
Genome position (GRCh38, 1-based): chr10:3,166,941, C>G on the plus strand (G>C on the coding strand, the complement: PITRM1 is on the minus strand). VCF-style: chr10-3166941-C-G. GRCh37 (hg19) VCF-style: chr10-3209133-C-G.
Other names: c.-311G>C (NM_001347727.2, NM_001347726.2); c.-1040G>C (NM_001347728.2); c.237G>C, p.Leu79= (NM_001347729.1, NM_001347730.1); c.261G>C, p.Leu87= (NM_001242307.2, NM_001347725.2); c.165G>C, p.Leu55= (NM_001242309.1).
Identifiers: ClinVar variation 4873959 (VCV004873959.2).

ClinVar aggregate classification (germline): Likely benign (1 of 4 stars; one submission).

gnomAD v4.1: 2 of 1,583,066 alleles (0.00013%); highest among the groups gnomAD compares: Admixed American, 0.0017%; no homozygotes.

Submission:

CeGaT Center for Human Genetics Tuebingen
Classification: Likely benign. Last evaluated: 2026-04-01. Review status: criteria provided, single submitter. Criteria: CeGaT Center For Human Genetics Tuebingen Variant Classification Criteria Version 2. Collection method: clinical testing. Allele origin: germline. Affected: yes. Observed: 1 variant allele.
Comment: PITRM1: BP4, BP7